The following is an entry in ClinVar:

NM_020631.6(PLEKHG5):c.2923G>C (p.Gly975Arg)

Gene: PLEKHG5 (pleckstrin homology and RhoGEF domain containing G5; minus strand). Cytogenetic location: 1p36.31.
Variant type: single nucleotide variant.
Coding change: c.2923G>C on transcript NM_020631.6 (MANE Select); coding-DNA position 2923, G replaced by C.
Protein change: p.Gly975Arg; replaces glycine 975 with arginine.
Molecular consequence: missense variant. On other transcripts: intron variant (1).
Genome position (GRCh38, 1-based): chr1:6,467,913, C>G on the plus strand (G>C on the coding strand, the complement: PLEKHG5 is on the minus strand). VCF-style: chr1-6467913-C-G. GRCh37 (hg19) VCF-style: chr1-6527973-C-G.
Other names: c.3034G>C, p.Gly1012Arg (NM_001042663.3, NM_001265592.2); c.2923G>C, p.Gly975Arg (NM_001042664.2, NM_001042665.2, NM_198681.4); c.3130G>C, p.Gly1044Arg (NM_001265593.2); c.2738-15G>C (NM_001265594.3); short protein forms G1012R, G1044R, G975R.
Identifiers: ClinVar variation 4847931 (VCV004847931.1).

ClinVar aggregate classification (germline): Uncertain significance (1 of 4 stars; one submission).

gnomAD v4.1: 10 of 1,600,670 alleles (0.00062%); highest among the groups gnomAD compares: Non-Finnish European, 0.00085%; no homozygotes.

Submission:

Women's Health and Genetics/Laboratory Corporation of America, LabCorp
Classification: Uncertain significance. Last evaluated: 2026-02-10. Review status: criteria provided, single submitter. Criteria: LabCorp Variant Classification Summary - May 2015. Collection method: clinical testing. Allele origin: germline.
Comment: Variant summary: PLEKHG5 c.2923G>C (p.Gly975Arg) results in a non-conservative amino acid change in the encoded protein sequence. Algorithms developed to predict the effect of missense changes on protein structure and function are either unavailable or do not agree on the potential impact of this missense change. The variant allele was found at a frequency of 4.5e-06 in 221900 control chromosomes. The available data on variant occurrences in the general population are insufficient to allow any conclusion about variant significance. To our knowledge, no occurrence of c.2923G>C in individuals affected with PLEKHG5-related conditions and no experimental evidence demonstrating its impact on protein function have been reported. No submitters have cited clinical-significance assessments for this variant to ClinVar. Based on the evidence outlined above, the variant was classified as uncertain significance.